The following is an entry in ClinVar:

NM_001079872.2(CUL4B):c.888C>T (p.Tyr296=)

Gene: CUL4B (cullin 4B; minus strand). Cytogenetic location: Xq24.
Variant type: single nucleotide variant.
Coding change: c.888C>T on transcript NM_001079872.2 (MANE Select); coding-DNA position 888, C replaced by T.
Protein change: p.Tyr296=; no amino-acid change (tyrosine 296 retained).
Molecular consequence: synonymous variant.
Genome position (GRCh38, 1-based): chrX:120,545,476, G>A on the plus strand (C>T on the coding strand, the complement: CUL4B is on the minus strand). VCF-style: chrX-120545476-G-A. GRCh37 (hg19) VCF-style: chrX-119679331-G-A.
Other names: c.903C>T, p.Tyr301= (NM_001330624.2); c.354C>T, p.Tyr118= (NM_001369145.1); c.942C>T, p.Tyr314= (NM_003588.4).
Identifiers: ClinVar variation 4981660 (VCV004981660.1).

ClinVar aggregate classification (germline): Likely benign (1 of 4 stars; one submission).

Conditions:
CUL4B-related disorder. Also called: CUL4B-related condition.

gnomAD v4.1: 14 of 1,177,865 alleles (0.0012%); highest among the groups gnomAD compares: African/African-American, 0.0053%; no homozygotes.

Submission:

PreventionGenetics, part of Exact Sciences
Classification: Likely benign for CUL4B-related condition. Last evaluated: 2024-10-02. Review status: criteria provided, single submitter. Criteria: ACMG Guidelines, 2015. Collection method: clinical testing. Allele origin: germline.
Comment: This variant is classified as likely benign based on ACMG/AMP sequence variant interpretation guidelines (Richards et al. 2015 PMID: 25741868, with internal and published modifications).